The following is an entry in ClinVar:

ClinVar aggregate classification (germline): Likely benign (1 of 4 stars; one submission).

Conditions:
SCAPER-related disorder. Also called: SCAPER-related condition.

gnomAD v4.1: 4 of 1,613,996 alleles (0.00025%); highest among the groups gnomAD compares: South Asian, 0.0044%; no homozygotes.

Submission:

PreventionGenetics, part of Exact Sciences
Classification: Likely benign for SCAPER-related condition. Last evaluated: 2025-03-06. Review status: criteria provided, single submitter. Criteria: ACMG Guidelines, 2015. Collection method: clinical testing. Allele origin: germline.
Comment: This variant is classified as likely benign based on ACMG/AMP sequence variant interpretation guidelines (Richards et al. 2015 PMID: 25741868, with internal and published modifications).

NM_020843.4(SCAPER):c.1554T>C (p.Ala518=)

Gene: SCAPER (S-phase cyclin A associated protein in the ER; minus strand). Cytogenetic location: 15q24.3.
Variant type: single nucleotide variant.
Coding change: c.1554T>C on transcript NM_020843.4 (MANE Select); coding-DNA position 1554, T replaced by C.
Protein change: p.Ala518=; no amino-acid change (alanine 518 retained).
Molecular consequence: synonymous variant. On other transcripts: non-coding transcript variant (1).
Genome position (GRCh38, 1-based): chr15:76,765,396, A>G on the plus strand (T>C on the coding strand, the complement: SCAPER is on the minus strand). VCF-style: chr15-76765396-A-G. GRCh37 (hg19) VCF-style: chr15-77057737-A-G.
Other names: c.816T>C, p.Ala272= (NM_001145923.2); c.1572T>C, p.Ala524= (NM_001353009.2); c.1152T>C, p.Ala384= (NM_001353010.2, NM_001353012.2); c.1170T>C, p.Ala390= (NM_001353011.2).
Identifiers: ClinVar variation 4997902 (VCV004997902.1).